The following is an entry in ClinVar:

ClinVar aggregate classification (germline): Likely pathogenic (1 of 4 stars; one submission).

Conditions:
Short-rib thoracic dysplasia 13 with or without polydactyly (SRTD13). Identifiers: Orphanet 474, MedGen C4225378, MONDO:0014577, OMIM 616300.

Allele frequency attached by ClinVar (database versions not stated): gnomAD exomes below 0.00001.
gnomAD v4.1: 1 of 1,612,370 alleles (0.000062%); highest among the groups gnomAD compares: Non-Finnish European, 0.000085%; no homozygotes.

Submission:

Labcorp Genetics (formerly Invitae), Labcorp
Classification: Likely pathogenic for Short-rib thoracic dysplasia 13 with or without polydactyly. Last evaluated: 2024-10-25. Review status: criteria provided, single submitter. Criteria: Invitae Variant Classification Sherloc (09022015). Collection method: clinical testing. Allele origin: germline.
Comment: This sequence change affects an acceptor splice site in intron 13 of the CEP120 gene. It is expected to disrupt RNA splicing. Variants that disrupt the donor or acceptor splice site typically lead to a loss of protein function (PMID: 16199547), and loss-of-function variants in CEP120 are known to be pathogenic (PMID: 25251415, 27208211). This variant is not present in population databases (gnomAD no frequency). This variant has not been reported in the literature in individuals affected with CEP120-related conditions. ClinVar contains an entry for this variant (Variation ID: 2053431). Algorithms developed to predict the effect of sequence changes on RNA splicing suggest that this variant may disrupt the consensus splice site. In summary, the currently available evidence indicates that the variant is pathogenic, but additional data are needed to prove that conclusively. Therefore, this variant has been classified as Likely Pathogenic.

Literature cited by the submitters: PubMed 16199547; PubMed 25251415; PubMed 27208211.

NM_001375405.1(CEP120):c.1861-2A>G

Gene: CEP120 (centrosomal protein 120; minus strand). Cytogenetic location: 5q23.2.
Variant type: single nucleotide variant.
Coding change: c.1861-2A>G on transcript NM_001375405.1 (MANE Select); the canonical splice acceptor site of the intron before coding-DNA position 1861, A replaced by G.
Molecular consequence: splice acceptor variant.
Genome position (GRCh38, 1-based): chr5:123,382,891, T>C on the plus strand (A>G on the coding strand, the complement: CEP120 is on the minus strand). VCF-style: chr5-123382891-T-C. GRCh37 (hg19) VCF-style: chr5-122718585-T-C.
Other names: c.1783-2A>G (NM_001166226.2); c.1861-2A>G (NM_153223.4, NM_001375407.1); c.1288-2A>G (NM_001375408.1, NM_001375409.1); c.1726-2A>G (NM_001375406.1).
Identifiers: ClinVar variation 2053431 (VCV002053431.4), dbSNP rs2479304832, ClinGen allele CA360900968.